The following is an entry in ClinVar:

ClinVar aggregate classification (germline): Uncertain significance. Review status: criteria provided, multiple submitters, no conflicts (2 of 4 stars). 2 submissions from 2 submitters: Uncertain significance (2). Last evaluated 2026-07-02.

Conditions:
Familial cancer of breast. Also called: Hereditary breast cancer; BREAST CANCER, FAMILIAL; hereditary breast carcinoma. Identifiers: Orphanet 227535, MedGen C0346153, MONDO:0016419, OMIM 114480. Disease mechanism: loss of function.
Fanconi anemia complementation group J. Also called: BRIP1-Related Fanconi Anemia. Identifiers: Orphanet 84, MedGen C1836860, MONDO:0012187, OMIM 609054.
Hereditary cancer-predisposing syndrome. Also called: Hereditary Cancer Syndrome; Tumor predisposition; Neoplastic Syndromes, Hereditary; Hereditary neoplastic syndrome. Identifiers: Orphanet 140162, MedGen C0027672, MeSH D009386, MONDO:0015356.

Submissions (2):

Ambry Genetics
Classification: Uncertain significance for Hereditary cancer-predisposing syndrome. Last evaluated: 2026-07-02. Review status: criteria provided, single submitter. Criteria: Ambry Variant Classification Scheme 2023. Collection method: clinical testing. Allele origin: germline.
Comment: The p.P163A variant (also known as c.487C>G), located in coding exon 4 of the BRIP1 gene, results from a C to G substitution at nucleotide position 487. The proline at codon 163 is replaced by alanine, an amino acid with highly similar properties. This amino acid position is conserved. In addition, this alteration is predicted to be tolerated by in silico analysis. Based on the available evidence, the clinical significance of this variant remains unclear.

Labcorp Genetics (formerly Invitae), Labcorp
Classification: Uncertain significance for Familial cancer of breast; Fanconi anemia complementation group J. Last evaluated: 2020-12-25. Review status: criteria provided, single submitter. Criteria: Invitae Variant Classification Sherloc (09022015). Collection method: clinical testing. Allele origin: germline.
Comment: In summary, the available evidence is currently insufficient to determine the role of this variant in disease. Therefore, it has been classified as a Variant of Uncertain Significance. Algorithms developed to predict the effect of missense changes on protein structure and function (SIFT, PolyPhen-2, Align-GVGD) all suggest that this variant is likely to be tolerated, but these predictions have not been confirmed by published functional studies and their clinical significance is uncertain. This variant has not been reported in the literature in individuals with BRIP1-related conditions. This variant is not present in population databases (ExAC no frequency). This sequence change replaces proline with alanine at codon 163 of the BRIP1 protein (p.Pro163Ala). The proline residue is moderately conserved and there is a small physicochemical difference between proline and alanine.

NM_032043.3(BRIP1):c.487C>G (p.Pro163Ala)

Gene: BRIP1 (BRCA1 interacting DNA helicase 1; minus strand). Cytogenetic location: 17q23.2.
Variant type: single nucleotide variant.
Coding change: c.487C>G on transcript NM_032043.3 (MANE Select); coding-DNA position 487, C replaced by G.
Protein change: p.Pro163Ala; replaces proline 163 with alanine.
Molecular consequence: missense variant.
Genome position (GRCh38, 1-based): chr17:61,849,149, G>C on the plus strand (C>G on the coding strand, the complement: BRIP1 is on the minus strand). VCF-style: chr17-61849149-G-C. GRCh37 (hg19) VCF-style: chr17-59926510-G-C.
Other names: c.487C>G (NM_032043.2); short protein forms P163A.
Identifiers: ClinVar variation 1511936 (VCV001511936.10), dbSNP rs1064795902, ClinGen allele CA400484386.